The following is an entry in ClinVar:

NM_001999.4(FBN2):c.107A>G (p.Lys36Arg)

Gene: FBN2 (fibrillin 2; minus strand). Cytogenetic location: 5q23.3.
Variant type: single nucleotide variant.
Coding change: c.107A>G on transcript NM_001999.4 (MANE Select); coding-DNA position 107, A replaced by G.
Protein change: p.Lys36Arg; replaces lysine 36 with arginine.
Molecular consequence: missense variant.
Genome position (GRCh38, 1-based): chr5:128,537,497, T>C on the plus strand (A>G on the coding strand, the complement: FBN2 is on the minus strand). VCF-style: chr5-128537497-T-C. GRCh37 (hg19) VCF-style: chr5-127873190-T-C.
Other names: short protein forms K36R.
Identifiers: ClinVar variation 1785859 (VCV001785859.6), dbSNP rs1431387329, ClinGen allele CA360762840.
Genomic context (GRCh38, chr5:128,537,497, plus strand): 5'-CCTTCAGAGCCTGCTGTAGCGGACCGAACCTGTTGCGGCGGCGGCTGGGGCCGGGGCGGC[T>C]TGGGCGGAGGAGGCTGAGGCTGGCCGGCCGTGCCCTGCGCCCAGAGCACCACACAGCCCA-3'
Protein context (NP_001990.2, residues 26-46): TAGQPQPPPP[Lys36Arg]PPRPQPPPQQ

ClinVar aggregate classification (germline): Uncertain significance. Review status: criteria provided, multiple submitters, no conflicts (2 of 4 stars). 3 submissions from 3 submitters: Uncertain significance (3). Last evaluated 2026-02-17.

Conditions:
Familial thoracic aortic aneurysm and aortic dissection (TAAD). Also called: Thoracic aortic aneurysms and dissections. Identifiers: Orphanet 91387, MedGen C4707243, MONDO:0019625.
Congenital contractural arachnodactyly (CCA). Also called: Beals-Hecht syndrome; BEALS SYNDROME; Arthrogryposis, distal, type 9. Identifiers: Orphanet 115, MedGen C0220668, MONDO:0007363, OMIM 121050.

Allele frequency attached by ClinVar (database versions not stated): TOPMed 0.00001; gnomAD 0.00001; gnomAD exomes below 0.00001.
gnomAD v4.1: 3 of 1,584,968 alleles (0.00019%); highest among the groups gnomAD compares: Non-Finnish European, 0.00026%; no homozygotes.

Submissions (3):

GeneDx
Classification: Uncertain significance. Last evaluated: 2026-02-17. Review status: criteria provided, single submitter. Criteria: GeneDx Variant Classification Process June 2021. Collection method: clinical testing. Allele origin: germline.
Comment: Not observed at significant frequency in large population cohorts (gnomAD); In silico analysis suggests that this missense variant does not alter protein structure/function; Has not been previously published as pathogenic or benign to our knowledge

Labcorp Genetics (formerly Invitae), Labcorp
Classification: Uncertain significance for Congenital contractural arachnodactyly. Last evaluated: 2025-08-12. Review status: criteria provided, single submitter. Criteria: Invitae Variant Classification Sherloc (09022015). Collection method: clinical testing. Allele origin: germline.
Comment: This sequence change replaces lysine, which is basic and polar, with arginine, which is basic and polar, at codon 36 of the FBN2 protein (p.Lys36Arg). This variant is not present in population databases (gnomAD no frequency). This variant has not been reported in the literature in individuals affected with FBN2-related conditions. ClinVar contains an entry for this variant (Variation ID: 1785859). Invitae Evidence Modeling of protein sequence and biophysical properties (such as structural, functional, and spatial information, amino acid conservation, physicochemical variation, residue mobility, and thermodynamic stability) indicates that this missense variant is not expected to disrupt FBN2 protein function with a negative predictive value of 95%. In summary, the available evidence is currently insufficient to determine the role of this variant in disease. Therefore, it has been classified as a Variant of Uncertain Significance.

Ambry Genetics
Classification: Uncertain significance for Familial thoracic aortic aneurysm and aortic dissection. Last evaluated: 2019-05-29. Review status: criteria provided, single submitter. Criteria: Ambry Variant Classification Scheme 2023. Collection method: clinical testing. Allele origin: germline.
Comment: The p.K36R variant (also known as c.107A>G), located in coding exon 1 of the FBN2 gene, results from an A to G substitution at nucleotide position 107. The lysine at codon 36 is replaced by arginine, an amino acid with highly similar properties. This amino acid position is well conserved in available vertebrate species. In addition, this alteration is predicted to be tolerated by in silico analysis. Since supporting evidence is limited at this time, the clinical significance of this alteration remains unclear.